The following is an entry in ClinVar:

NM_000400.4(ERCC2):c.317G>A (p.Gly106Glu)

Gene: ERCC2 (ERCC excision repair 2, TFIIH core complex helicase subunit; minus strand). Cytogenetic location: 19q13.32.
Variant type: single nucleotide variant.
Coding change: c.317G>A on transcript NM_000400.4 (MANE Select); coding-DNA position 317, G replaced by A.
Protein change: p.Gly106Glu; replaces glycine 106 with glutamic acid.
Molecular consequence: missense variant.
Genome position (GRCh38, 1-based): chr19:45,368,673, C>T on the plus strand (G>A on the coding strand, the complement: ERCC2 is on the minus strand). VCF-style: chr19-45368673-C-T. GRCh37 (hg19) VCF-style: chr19-45871931-C-T.
Other names: c.245G>A, p.Gly82Glu (NM_001130867.2); short protein forms G106E, G82E.
Identifiers: ClinVar variation 3231691 (VCV003231691.1), dbSNP rs2514043804, ClinGen allele CA406378243.
Genomic context (GRCh38, chr19:45,368,673, plus strand): 5'-AAGGAACAGGTGCTCACCTCAGGGTGAATACACAAGTTTTTGCGGGAGCTCAGAGCCAGT[C>T]CCAGAAACGGCAGCTTCTCGCCCTCCTGCTTCTCATAGAAGTTGAGCAACTTTCGAAGCT-3'
Protein context (NP_000391.1, residues 96-116): KQEGEKLPFL[Gly106Glu]LALSSRKNLC

ClinVar aggregate classification (germline): Uncertain significance (1 of 4 stars; one submission).

Conditions:
Inborn genetic diseases. Identifiers: MedGen C0950123, MeSH D030342.

Allele frequency attached by ClinVar (database versions not stated): gnomAD exomes below 0.00001.

Submission:

Ambry Genetics
Classification: Uncertain significance for Inborn genetic diseases. Last evaluated: 2023-11-19. Review status: criteria provided, single submitter. Criteria: Ambry Variant Classification Scheme 2023. Collection method: clinical testing. Allele origin: germline.
Comment: The p.G106E variant (also known as c.317G>A), located in coding exon 5 of the ERCC2 gene, results from a G to A substitution at nucleotide position 317. The glycine at codon 106 is replaced by glutamic acid, an amino acid with similar properties. This amino acid position is conserved. In addition, this alteration is predicted to be deleterious by in silico analysis. Since supporting evidence is limited at this time, the clinical significance of this alteration remains unclear.